The following is an entry in ClinVar:

ClinVar aggregate classification (germline): Uncertain significance. Review status: criteria provided, multiple submitters, no conflicts (2 of 4 stars). 2 submissions from 2 submitters: Uncertain significance (2). Last evaluated 2026-07-21.

Conditions:
Cardiovascular phenotype. Identifiers: MedGen CN230736.
Alstrom syndrome (ALMS). Identifiers: Orphanet 64, MedGen C0268425, MONDO:0008763, OMIM 203800.

Allele frequency attached by ClinVar (database versions not stated): ExAC 0.00001; TOPMed below 0.00001; gnomAD exomes 0.00001 and below 0.00001.
gnomAD v4.1: 7 of 1,613,690 alleles (0.00043%); highest among the groups gnomAD compares: South Asian, 0.0066%; no homozygotes.

Submissions (2):

Ambry Genetics
Classification: Uncertain significance for Cardiovascular phenotype. Last evaluated: 2026-07-21. Review status: criteria provided, single submitter. Criteria: Ambry Variant Classification Scheme 2023. Collection method: clinical testing. Allele origin: germline.
Comment: The p.G1209D variant (also known as c.3626G>A), located in coding exon 8 of the ALMS1 gene, results from a G to A substitution at nucleotide position 3626. The glycine at codon 1209 is replaced by aspartic acid, an amino acid with similar properties. This amino acid position is poorly conserved in available vertebrate species. In addition, this alteration is predicted to be tolerated by in silico analysis. Based on the available evidence, the clinical significance of this variant remains unclear.

Labcorp Genetics (formerly Invitae), Labcorp
Classification: Uncertain significance for Alstrom syndrome. Last evaluated: 2023-08-04. Review status: criteria provided, single submitter. Criteria: Invitae Variant Classification Sherloc (09022015). Collection method: clinical testing. Allele origin: germline.
Comment: In summary, the available evidence is currently insufficient to determine the role of this variant in disease. Therefore, it has been classified as a Variant of Uncertain Significance. Experimental studies and prediction algorithms are not available or were not evaluated, and the functional significance of this variant is currently unknown. ClinVar contains an entry for this variant (Variation ID: 1513979). This variant has not been reported in the literature in individuals affected with ALMS1-related conditions. This variant is present in population databases (rs765685207, gnomAD 0.006%). This sequence change replaces glycine with aspartic acid at codon 1209 of the ALMS1 protein (p.Gly1209Asp). The glycine residue is moderately conserved and there is a moderate physicochemical difference between glycine and aspartic acid.

NM_001378454.1(ALMS1):c.3623G>A (p.Gly1208Asp)

Gene: ALMS1 (ALMS1 centrosome and basal body associated protein; plus strand). Cytogenetic location: 2p13.1.
Variant type: single nucleotide variant.
Coding change: c.3623G>A on transcript NM_001378454.1 (MANE Select); coding-DNA position 3623, G replaced by A.
Protein change: p.Gly1208Asp; replaces glycine 1208 with aspartic acid.
Molecular consequence: missense variant.
Genome position (GRCh38, 1-based): chr2:73,450,150, G>A. VCF-style: chr2-73450150-G-A. GRCh37 (hg19) VCF-style: chr2-73677277-G-A.
Other names: c.3626G>A, p.Gly1209Asp (NM_015120.4); short protein forms G1209D, G1208D.
Identifiers: ClinVar variation 1513979 (VCV001513979.8), dbSNP rs765685207, ClinGen allele CA1713560.